The following is an entry in ClinVar:

NM_005732.4(RAD50):c.460G>T (p.Val154Phe)

Gene: RAD50 (RAD50 double strand break repair protein; plus strand). Cytogenetic location: 5q31.1.
Variant type: single nucleotide variant.
Coding change: c.460G>T on transcript NM_005732.4 (MANE Select); coding-DNA position 460, G replaced by T.
Protein change: p.Val154Phe; replaces valine 154 with phenylalanine.
Molecular consequence: missense variant.
Genome position (GRCh38, 1-based): chr5:132,579,411, G>T. VCF-style: chr5-132579411-G-T. GRCh37 (hg19) VCF-style: chr5-131915103-G-T.
Other names: short protein forms V154F.
Identifiers: ClinVar variation 2001616 (VCV002001616.4), dbSNP rs1316128291, ClinGen allele CA360934264.

ClinVar aggregate classification (germline): Uncertain significance (1 of 4 stars; one submission).

Conditions:
Hereditary cancer-predisposing syndrome. Also called: Hereditary neoplastic syndrome; Hereditary Cancer Syndrome; Tumor predisposition; Neoplastic Syndromes, Hereditary. Identifiers: Orphanet 140162, MedGen C0027672, MeSH D009386, MONDO:0015356.

Submission:

Labcorp Genetics (formerly Invitae), Labcorp
Classification: Uncertain significance for Hereditary cancer-predisposing syndrome. Last evaluated: 2022-06-01. Review status: criteria provided, single submitter. Criteria: Invitae Variant Classification Sherloc (09022015). Collection method: clinical testing. Allele origin: germline.
Comment: This sequence change replaces valine, which is neutral and non-polar, with phenylalanine, which is neutral and non-polar, at codon 154 of the RAD50 protein (p.Val154Phe). This variant is not present in population databases (gnomAD no frequency). This variant has not been reported in the literature in individuals affected with RAD50-related conditions. Algorithms developed to predict the effect of missense changes on protein structure and function (SIFT, PolyPhen-2, Align-GVGD) all suggest that this variant is likely to be disruptive. In summary, the available evidence is currently insufficient to determine the role of this variant in disease. Therefore, it has been classified as a Variant of Uncertain Significance.